The following is an entry in ClinVar:

ClinVar aggregate classification (germline): Conflicting classifications of pathogenicity. Review status: criteria provided, conflicting classifications (1 of 4 stars). 8 submissions from 8 submitters: Uncertain significance (2); Benign (1); Likely benign (5). Last evaluated 2026-01-21.

Conditions:
Thyrotoxic periodic paralysis, susceptibility to, 1 (TTPP1). Identifiers: Orphanet 79102, MedGen C2749982, MONDO:0008570, OMIM 188580.
Hypokalemic periodic paralysis, type 1. Also called: HypoPP; Hypokalemic Periodic Paralysis Type 1 (AD). Identifiers: Orphanet 681, MedGen C3714580, MONDO:0042979, OMIM 170400.
Congenital myopathy 18. Also called: Myopathy, congenital, due to dihydropyridine receptor defect; DIHYDROPYRIDINE RECEPTOR CONGENITAL MYOPATHY; DHPR CONGENITAL MYOPATHY. Identifiers: MedGen C5830283, MONDO:0859514, OMIM 620246.
Malignant hyperthermia, susceptibility to, 5 (MHS5). Also called: CACNA1S-Related Malignant Hyperthermia Susceptibility. Identifiers: Orphanet 423, MedGen C1866077, MONDO:0011163, OMIM 601887.

Allele frequency attached by ClinVar (database versions not stated): gnomAD 0.00010; ESP Exome Variant Server 0.00015; TOPMed 0.00015.
gnomAD v4.1: 253 of 1,613,728 alleles (0.016%); highest among the groups gnomAD compares: Middle Eastern, 0.033%; no homozygotes.

Submissions (8):

Labcorp Genetics (formerly Invitae), Labcorp
Classification: Likely benign for Hypokalemic periodic paralysis, type 1; Malignant hyperthermia, susceptibility to, 5. Last evaluated: 2026-01-21. Review status: criteria provided, single submitter. Criteria: Invitae Variant Classification Sherloc (09022015). Collection method: clinical testing. Allele origin: germline.

GeneDx
Classification: Uncertain significance. Last evaluated: 2025-11-01. Review status: criteria provided, single submitter. Criteria: GeneDx Variant Classification Process June 2021. Collection method: clinical testing. Allele origin: germline.
Comment: Reported previously in a family with congenital heart disease including ventricular septal defect and atrioventricular septal defect; however, no further clinical information was provided (PMID: 32859249); In silico analysis suggests that this missense variant does not alter protein structure/function; This variant is associated with the following publications: (PMID: 32859249)

Women's Health and Genetics/Laboratory Corporation of America, LabCorp
Classification: Likely benign. Last evaluated: 2025-06-16. Review status: criteria provided, single submitter. Criteria: LabCorp Variant Classification Summary - May 2015. Collection method: clinical testing. Allele origin: germline.
Comment: Variant summary: CACNA1S c.5299C>A (p.Pro1767Thr) results in a non-conservative amino acid change in the encoded protein sequence. Algorithms developed to predict the effect of missense changes on protein structure and function are either unavailable or do not agree on the potential impact of this missense change. The variant allele was found at a frequency of 0.00016 in 1613728 control chromosomes, predominantly at a frequency of 0.0017 within the Ashkenazi Jewish subpopulation in the gnomAD database. The observed variant frequency within Ashkenazi Jewish control individuals in the gnomAD database is approximately 2 fold of the estimated maximal expected allele frequency for a pathogenic variant in CACNA1S causing Congenital Myopathy 18-AR phenotype (0.0011). To our knowledge, no experimental evidence demonstrating its impact on protein function have been reported. ClinVar contains an entry for this variant (Variation ID: 474000). Based on the evidence outlined above, the variant was classified as likely benign.

Blueprint Genetics
Classification: Likely benign. Last evaluated: 2024-11-05. Review status: criteria provided, single submitter. Criteria: ACMG Guidelines, 2015. Collection method: clinical testing. Allele origin: germline.

Fulgent Genetics
Classification: Uncertain significance for Hypokalemic periodic paralysis, type 1; Thyrotoxic periodic paralysis, susceptibility to, 1; Malignant hyperthermia, susceptibility to, 5; Congenital myopathy 18. Last evaluated: 2024-03-07. Review status: criteria provided, single submitter. Criteria: ACMG Guidelines, 2015. Collection method: clinical testing. Allele origin: germline.

Color Diagnostics, LLC DBA Color Health
Classification: Likely benign for Malignant hyperthermia, susceptibility to, 5. Last evaluated: 2022-11-09. Review status: criteria provided, single submitter. Criteria: ACMG Guidelines, 2015. Collection method: clinical testing. Allele origin: germline.

CeGaT Center for Human Genetics Tuebingen
Classification: Likely benign. Last evaluated: 2019-03-01. Review status: criteria provided, single submitter. Criteria: CeGaT Center For Human Genetics Tuebingen Variant Classification Criteria Version 2. Collection method: clinical testing. Allele origin: germline. Affected: yes. Observed: 1 variant allele.

Illumina Laboratory Services, Illumina
Classification: Benign for Hypokalemic periodic paralysis, type 1. Last evaluated: 2018-01-12. Review status: criteria provided, single submitter. Criteria: ICSL Variant Classification Criteria 13 December 2019. Collection method: clinical testing. Allele origin: germline.
Comment: This variant was observed in the ICSL laboratory as part of a predisposition screen in an ostensibly healthy population. It had not been previously curated by ICSL or reported in the Human Gene Mutation Database (HGMD: prior to June 1st, 2018), and was therefore a candidate for classification through an automated scoring system. Utilizing variant allele frequency, disease prevalence and penetrance estimates, and inheritance mode, an automated score was calculated to assess if this variant is too frequent to cause the disease. Based on the score and internal cut-off values, a variant classified as benign is not then subjected to further curation. The score for this variant resulted in a classification of benign for this disease.

NM_000069.3(CACNA1S):c.5299C>A (p.Pro1767Thr)

Gene: CACNA1S (calcium voltage-gated channel subunit alpha1 S; minus strand). Cytogenetic location: 1q32.1.
Variant type: single nucleotide variant.
Coding change: c.5299C>A on transcript NM_000069.3 (MANE Select); coding-DNA position 5299, C replaced by A.
Protein change: p.Pro1767Thr; replaces proline 1767 with threonine.
Molecular consequence: missense variant.
Genome position (GRCh38, 1-based): chr1:201,040,302, G>T on the plus strand (C>A on the coding strand, the complement: CACNA1S is on the minus strand). VCF-style: chr1-201040302-G-T. GRCh37 (hg19) VCF-style: chr1-201009430-G-T.
Other names: short protein forms P1767T.
Identifiers: ClinVar variation 474000 (VCV000474000.62), dbSNP rs200434921, ClinGen allele CA083800.